The following is an entry in ClinVar:

ClinVar aggregate classification (germline): Benign/Likely benign. Review status: criteria provided, multiple submitters, no conflicts (2 of 4 stars). 5 submissions from 5 submitters: Benign (1); Likely benign (4). Last evaluated 2025-12-01.

Conditions:
Hypercholanemia, familial 1 (FHCA1). Identifiers: Orphanet 238475, MedGen C5542604, MONDO:0031446, OMIM 607748.

Allele frequency attached by ClinVar (database versions not stated): 1000 Genomes Project 30x 0.00109; 1000 Genomes Project 0.00120; TOPMed 0.00162; gnomAD 0.00177 and 0.00193; ESP Exome Variant Server 0.00231.

Submissions (5):

Labcorp Genetics (formerly Invitae), Labcorp
Classification: Benign. Last evaluated: 2025-12-01. Review status: criteria provided, single submitter. Criteria: Invitae Variant Classification Sherloc (09022015). Collection method: clinical testing. Allele origin: germline.

Blueprint Genetics
Classification: Likely benign. Last evaluated: 2024-11-26. Review status: criteria provided, single submitter. Criteria: ACMG Guidelines, 2015. Collection method: clinical testing. Allele origin: germline.

Illumina Laboratory Services, Illumina
Classification: Likely benign for Hypercholanemia, familial 1. Last evaluated: 2018-01-13. Review status: criteria provided, single submitter. Criteria: ICSL Variant Classification Criteria 13 December 2019. Collection method: clinical testing. Allele origin: germline.
Comment: This variant was observed in the ICSL laboratory as part of a predisposition screen in an ostensibly healthy population. It had not been previously curated by ICSL or reported in the Human Gene Mutation Database (HGMD: prior to June 1st, 2018), and was therefore a candidate for classification through an automated scoring system. Utilizing variant allele frequency, disease prevalence and penetrance estimates, and inheritance mode, an automated score was calculated to assess if this variant is too frequent to cause the disease. Based on the score and internal cut-off values, a variant classified as likely benign is not then subjected to further curation. The score for this variant resulted in a classification of likely benign for this disease.

Eurofins Ntd Llc (ga)
Classification: Likely benign. Last evaluated: 2015-10-23. Review status: criteria provided, single submitter. Criteria: EGL Classification Definitions 2015. Collection method: clinical testing. Allele origin: germline. Observed: 1 variant allele, 1 heterozygote.

Breakthrough Genomics
Classification: Likely benign. Review status: criteria provided, single submitter. Criteria: ACMG Guidelines, 2015. Collection method: not provided. Allele origin: germline. Inheritance: Autosomal recessive inheritance. Affected: yes.

NM_001701.4(BAAT):c.843T>G (p.Ser281=)

Gene: BAAT (bile acid-CoA:amino acid N-acyltransferase; minus strand). Cytogenetic location: 9q31.1.
Variant type: single nucleotide variant.
Coding change: c.843T>G on transcript NM_001701.4 (MANE Select); coding-DNA position 843, T replaced by G.
Protein change: p.Ser281=; no amino-acid change (serine 281 retained).
Molecular consequence: synonymous variant.
Genome position (GRCh38, 1-based): chr9:101,362,842, A>C on the plus strand (T>G on the coding strand, the complement: BAAT is on the minus strand). VCF-style: chr9-101362842-A-C. GRCh37 (hg19) VCF-style: chr9-104125124-A-C.
Other names: c.843T>G, p.Ser281= (NM_001127610.2, NM_001374715.1).
Identifiers: ClinVar variation 284049 (VCV000284049.18), dbSNP rs140793591, ClinGen allele CA5160622.